The following is an entry in ClinVar:

NM_002615.7(SERPINF1):c.998-1G>A

Gene: SERPINF1 (serpin family F member 1; plus strand). Cytogenetic location: 17p13.3.
Variant type: single nucleotide variant.
Coding change: c.998-1G>A on transcript NM_002615.7 (MANE Select); the canonical splice acceptor site of the intron before coding-DNA position 998, G replaced by A.
Molecular consequence: splice acceptor variant.
Genome position (GRCh38, 1-based): chr17:1,777,186, G>A. VCF-style: chr17-1777186-G-A. GRCh37 (hg19) VCF-style: chr17-1680480-G-A.
Other names: c.437-1G>A (NM_001329904.2, NM_001329905.2); c.998-1G>A (NM_001329903.2).
Identifiers: ClinVar variation 1192281 (VCV001192281.1), dbSNP rs772728968, ClinGen allele CA8274932.
Genomic context (GRCh38, chr17:1,777,186, plus strand): 5'-CCCTTGGTTGGGGTGTTGGGGAAGGCAGGGTTTTAACGGAAATCTCTCTCCATCTCTACA[G>A]AGCTGCAATCCTTGTTTGATTCACCAGACTTTAGCAAGATCACAGGCAAACCCATCAAGC-3'

ClinVar aggregate classification (germline): Likely pathogenic (1 of 4 stars; one submission).

Conditions:
Osteogenesis imperfecta (OI). Identifiers: Orphanet 666, MedGen C0029434, MeSH D010013, MONDO:0019019.

Allele frequency attached by ClinVar (database versions not stated): gnomAD exomes below 0.00001; ExAC 0.00001; gnomAD 0.00001.
gnomAD v4.1: 3 of 1,613,968 alleles (0.00019%); highest among the groups gnomAD compares: African/African-American, 0.0013%; no homozygotes.

Submission:

Women's Health and Genetics/Laboratory Corporation of America, LabCorp
Classification: Likely pathogenic for Osteogenesis imperfecta. Last evaluated: 2021-07-22. Review status: criteria provided, single submitter. Criteria: LabCorp Variant Classification Summary - May 2015. Collection method: clinical testing. Allele origin: germline.
Comment: Variant summary: SERPINF1 c.998-1G>A is located in a canonical splice-site and is predicted to affect mRNA splicing resulting in a significantly altered protein due to either exon skipping, shortening, or inclusion of intronic material. Several computational tools predict a significant impact on normal splicing: Four predict the variant abolishes the canonical 3' acceptor site located at intron 7 of the SERPINF1 gene. However, these predictions have yet to be confirmed by functional studies. The variant allele was found at a frequency of 4e-06 in 251490 control chromosomes. To our knowledge, no occurrence of c.998-1G>A in individuals affected with Osteogenesis Imperfecta and no experimental evidence demonstrating its impact on protein function have been reported. However, other loss of function variation in SERPINF1 have been described in the downstream exon 8 of patients with Osteogenesis Imperfecta in both the HGMD and the LOVD databases. No clinical diagnostic laboratories have submitted clinical-significance assessments for this variant to ClinVar after 2014. Based on the evidence outlined above, the variant was classified as likely pathogenic.